The following is an entry in ClinVar:

ClinVar aggregate classification (germline): Pathogenic (1 of 4 stars; one submission).

Conditions:
Schimke immuno-osseous dysplasia (SIOD). Also called: Schimke Immunoosseous Dysplasia. Identifiers: Orphanet 1830, MedGen C0877024, MONDO:0009458, OMIM 242900.

Submission:

Labcorp Genetics (formerly Invitae), Labcorp
Classification: Pathogenic for Schimke immuno-osseous dysplasia. Last evaluated: 2025-12-17. Review status: criteria provided, single submitter. Criteria: Invitae Variant Classification Sherloc (09022015). Collection method: clinical testing. Allele origin: germline.
Comment: This sequence change creates a premature translational stop signal (p.Leu143*) in the SMARCAL1 gene. It is expected to result in an absent or disrupted protein product. Loss-of-function variants in SMARCAL1 are known to be pathogenic (PMID: 11799392, 20301550). This variant is not present in population databases (gnomAD no frequency). This variant has not been reported in the literature in individuals affected with SMARCAL1-related conditions. For these reasons, this variant has been classified as Pathogenic.

Literature cited by the submitters: PubMed 11799392; PubMed 20301550.

NM_014140.4(SMARCAL1):c.428T>G (p.Leu143Ter)

Gene: SMARCAL1 (SNF2 related chromatin remodeling annealing helicase 1; plus strand). Cytogenetic location: 2q35.
Variant type: single nucleotide variant.
Coding change: c.428T>G on transcript NM_014140.4 (MANE Select); coding-DNA position 428, T replaced by G.
Protein change: p.Leu143Ter; replaces leucine 143 with a stop codon.
Molecular consequence: nonsense.
Genome position (GRCh38, 1-based): chr2:216,415,132, T>G. VCF-style: chr2-216415132-T-G. GRCh37 (hg19) VCF-style: chr2-217279855-T-G.
Other names: c.428T>G, p.Leu143Ter (NM_001127207.2); short protein forms L143*.
Identifiers: ClinVar variation 4770415 (VCV004770415.1).